The following is an entry in ClinVar:

ClinVar aggregate classification (germline): Uncertain significance (1 of 4 stars; one submission).

Conditions:
Loeys-Dietz syndrome 4 (LDS4). Also called: ANEURYSM, AORTIC AND CEREBRAL, WITH ARTERIAL TORTUOSITY AND SKELETAL MANIFESTATIONS; TGFB2-Related Loeys-Dietz Syndrome. Identifiers: MedGen C3553762, MONDO:0013897, OMIM 614816.

gnomAD v4.1: 4 of 1,613,834 alleles (0.00025%); highest among the groups gnomAD compares: Admixed American, 0.0017%; no homozygotes.

Submission:

Labcorp Genetics (formerly Invitae), Labcorp
Classification: Uncertain significance for Loeys-Dietz syndrome 4. Last evaluated: 2025-05-19. Review status: criteria provided, single submitter. Criteria: Invitae Variant Classification Sherloc (09022015). Collection method: clinical testing. Allele origin: germline.
Comment: This sequence change replaces aspartic acid, which is acidic and polar, with glutamic acid, which is acidic and polar, at codon 263 of the TGFB2 protein (p.Asp263Glu). This variant is present in population databases (no rsID available, gnomAD no frequency). This variant has not been reported in the literature in individuals affected with TGFB2-related conditions. Invitae Evidence Modeling of protein sequence and biophysical properties (such as structural, functional, and spatial information, amino acid conservation, physicochemical variation, residue mobility, and thermodynamic stability) indicates that this missense variant is not expected to disrupt TGFB2 protein function with a negative predictive value of 95%. In summary, the available evidence is currently insufficient to determine the role of this variant in disease. Therefore, it has been classified as a Variant of Uncertain Significance.

NM_003238.6(TGFB2):c.789T>G (p.Asp263Glu)

Gene: TGFB2 (transforming growth factor beta 2; plus strand). Cytogenetic location: 1q41.
Variant type: single nucleotide variant.
Coding change: c.789T>G on transcript NM_003238.6 (MANE Select); coding-DNA position 789, T replaced by G.
Protein change: p.Asp263Glu; replaces aspartic acid 263 with glutamic acid.
Molecular consequence: missense variant.
Genome position (GRCh38, 1-based): chr1:218,436,004, T>G. VCF-style: chr1-218436004-T-G. GRCh37 (hg19) VCF-style: chr1-218609346-T-G.
Other names: c.873T>G, p.Asp291Glu (NM_001135599.4); short protein forms D263E, D291E.
Identifiers: ClinVar variation 4809506 (VCV004809506.1).